The following is an entry in ClinVar:

NM_207361.6(FREM2):c.*4560G>A

Gene: FREM2 (FRAS1 related extracellular matrix 2; plus strand). Cytogenetic location: 13q13.3.
Variant type: single nucleotide variant.
Coding change: c.*4560G>A on transcript NM_207361.6 (MANE Select); 4560 bases downstream of the stop codon, G replaced by A.
Molecular consequence: 3 prime UTR variant.
Genome position (GRCh38, 1-based): chr13:38,885,347, G>A. VCF-style: chr13-38885347-G-A. GRCh37 (hg19) VCF-style: chr13-39459484-G-A.
Identifiers: ClinVar variation 312089 (VCV000312089.6), dbSNP rs2225623, ClinGen allele CA10639528.

ClinVar aggregate classification (germline): Benign. Review status: criteria provided, multiple submitters, no conflicts (2 of 4 stars). 2 submissions from 2 submitters: Benign (2). Last evaluated 2018-01-13.

Conditions:
Fraser syndrome 2 (FRASRS2). Identifiers: MedGen C4540036, MONDO:0054738, OMIM 617666.

Allele frequency attached by ClinVar (database versions not stated): gnomAD 0.26033 and 0.26118; TOPMed 0.26631; 1000 Genomes Project 0.29872; 1000 Genomes Project 30x 0.29903.

Submissions (2):

Illumina Laboratory Services, Illumina
Classification: Benign for Fraser syndrome 2. Last evaluated: 2018-01-13. Review status: criteria provided, single submitter. Criteria: ICSL Variant Classification Criteria 13 December 2019. Collection method: clinical testing. Allele origin: germline.
Comment: This variant was observed in the ICSL laboratory as part of a predisposition screen in an ostensibly healthy population. It had not been previously curated by ICSL or reported in the Human Gene Mutation Database (HGMD: prior to June 1st, 2018), and was therefore a candidate for classification through an automated scoring system. Utilizing variant allele frequency, disease prevalence and penetrance estimates, and inheritance mode, an automated score was calculated to assess if this variant is too frequent to cause the disease. Based on the score and internal cut-off values, a variant classified as benign is not then subjected to further curation. The score for this variant resulted in a classification of benign for this disease.

Breakthrough Genomics
Classification: Benign. Review status: criteria provided, single submitter. Criteria: ACMG Guidelines, 2015. Collection method: not provided. Allele origin: germline. Inheritance: Autosomal recessive inheritance. Affected: yes.